The following is an entry in ClinVar:

NM_004281.4(BAG3):c.1433A>C (p.Gln478Pro)

Gene: BAG3 (BAG cochaperone 3; plus strand). Cytogenetic location: 10q26.11.
Variant type: single nucleotide variant.
Coding change: c.1433A>C on transcript NM_004281.4 (MANE Select); coding-DNA position 1433, A replaced by C.
Protein change: p.Gln478Pro; replaces glutamine 478 with proline.
Molecular consequence: missense variant.
Genome position (GRCh38, 1-based): chr10:119,676,987, A>C. VCF-style: chr10-119676987-A-C. GRCh37 (hg19) VCF-style: chr10-121436499-A-C.
Other names: short protein forms Q478P.
Identifiers: ClinVar variation 4782579 (VCV004782579.1).

ClinVar aggregate classification (germline): Uncertain significance (1 of 4 stars; one submission).

Conditions:
Dilated cardiomyopathy 1HH (CMD1HH). Identifiers: Orphanet 154, MedGen C3151293, MONDO:0013479, OMIM 613881.
Myofibrillar myopathy 6. Identifiers: Orphanet 199340, MedGen C2751831, MONDO:0013061, OMIM 612954.

Submission:

Labcorp Genetics (formerly Invitae), Labcorp
Classification: Uncertain significance for Dilated cardiomyopathy 1HH; Myofibrillar myopathy 6. Last evaluated: 2025-12-29. Review status: criteria provided, single submitter. Criteria: Invitae Variant Classification Sherloc (09022015). Collection method: clinical testing. Allele origin: germline.
Comment: This sequence change replaces glutamine, which is neutral and polar, with proline, which is neutral and non-polar, at codon 478 of the BAG3 protein (p.Gln478Pro). This variant is not present in population databases (gnomAD no frequency). This variant has not been reported in the literature in individuals affected with BAG3-related conditions. Invitae Evidence Modeling of protein sequence and biophysical properties (such as structural, functional, and spatial information, amino acid conservation, physicochemical variation, residue mobility, and thermodynamic stability) indicates that this missense variant is expected to disrupt BAG3 protein function with a positive predictive value of 80%. In summary, the available evidence is currently insufficient to determine the role of this variant in disease. Therefore, it has been classified as a Variant of Uncertain Significance.